The following is an entry in ClinVar:

ClinVar aggregate classification (germline): Uncertain significance (1 of 4 stars; one submission).

Conditions:
Hereditary cancer-predisposing syndrome. Also called: Neoplastic Syndromes, Hereditary; Tumor predisposition; Hereditary Cancer Syndrome; Hereditary neoplastic syndrome. Identifiers: Orphanet 140162, MedGen C0027672, MeSH D009386, MONDO:0015356.

Submission:

Color Diagnostics, LLC DBA Color Health
Classification: Uncertain significance for Hereditary cancer-predisposing syndrome. Last evaluated: 2024-03-06. Review status: criteria provided, single submitter. Criteria: ACMG Guidelines, 2015. Collection method: clinical testing. Allele origin: germline.
Comment: This missense variant replaces proline with threonine at codon 114 of the MSH6 protein. Computational prediction is inconclusive regarding the impact of this variant on protein structure and function (internally defined REVEL score threshold 0.5 < inconclusive < 0.7, PMID: 27666373). Splice site prediction tools suggest that this variant may not impact RNA splicing. To our knowledge, functional studies have not been performed for this variant. This variant has not been reported in individuals affected with hereditary cancer in the literature. This variant has not been identified in the general population by the Genome Aggregation Database (gnomAD). The available evidence is insufficient to determine the role of this variant in disease conclusively. Therefore, this variant is classified as a Variant of Uncertain Significance.

NM_000179.3(MSH6):c.340C>A (p.Pro114Thr)

Gene: MSH6 (mutS homolog 6; plus strand). Cytogenetic location: 2p16.3.
Variant type: single nucleotide variant.
Coding change: c.340C>A on transcript NM_000179.3 (MANE Select); coding-DNA position 340, C replaced by A.
Protein change: p.Pro114Thr; replaces proline 114 with threonine.
Molecular consequence: missense variant. On other transcripts: 5 prime UTR variant (2), intron variant (1).
Genome position (GRCh38, 1-based): chr2:47,791,006, C>A. VCF-style: chr2-47791006-C-A. GRCh37 (hg19) VCF-style: chr2-48018145-C-A.
Other names: c.-563C>A (NM_001281494.2); c.237+7536C>A (NM_001281492.2); c.-397C>A (NM_001281493.2); short protein forms P114T.
Identifiers: ClinVar variation 921717 (VCV000921717.4), dbSNP rs1668691074, ClinGen allele CA346736967.